The following is an entry in ClinVar:

ClinVar aggregate classification (germline): Conflicting classifications of pathogenicity. Review status: criteria provided, conflicting classifications (1 of 4 stars). 4 submissions from 4 submitters: Uncertain significance (1); Likely benign (2). 1 of the submissions does not count toward it. Last evaluated 2026-01-12.

Conditions:
CAPN3-related disorder. Also called: CAPN3-related condition; CAPN3-related disorders. Identifiers: MedGen CN239245.
Autosomal recessive limb-girdle muscular dystrophy type 2A (LGMDR1). Also called: Muscular dystrophy, limb-girdle, type 2A, Amish; Limb-girdle muscular dystrophy, type 2A; Calpainopathy; MUSCULAR DYSTROPHY, PELVOFEMORAL; LEYDEN-MOEBIUS MUSCULAR DYSTROPHY. Identifiers: Orphanet 267, MedGen C1869123, MONDO:0009675, OMIM 253600. Disease mechanism: loss of function.

Allele frequency attached by ClinVar (database versions not stated): gnomAD exomes 0.00002 and 0.00003; gnomAD 0.00005 and 0.00006; ExAC 0.00006; TOPMed 0.00006; ESP Exome Variant Server 0.00008.
gnomAD v4.1: 44 of 1,613,536 alleles (0.0027%); highest among the groups gnomAD compares: Non-Finnish European, 0.0036%; no homozygotes.

Submissions (4):

Labcorp Genetics (formerly Invitae), Labcorp
Classification: Likely benign for Autosomal recessive limb-girdle muscular dystrophy type 2A. Last evaluated: 2026-01-12. Review status: criteria provided, single submitter. Criteria: Invitae Variant Classification Sherloc (09022015). Collection method: clinical testing. Allele origin: germline.

CeGaT Center for Human Genetics Tuebingen
Classification: Likely benign. Last evaluated: 2020-03-01. Review status: criteria provided, single submitter. Criteria: CeGaT Center For Human Genetics Tuebingen Variant Classification Criteria Version 2. Collection method: clinical testing. Allele origin: germline. Affected: yes. Observed: 1 variant allele.

Eurofins Ntd Llc (ga)
Classification: Uncertain significance. Last evaluated: 2017-12-22. Review status: criteria provided, single submitter. Criteria: EGL Classification Definitions 2015. Collection method: clinical testing. Allele origin: germline. Observed: 1 variant allele, 1 heterozygote.

PreventionGenetics, part of Exact Sciences
Classification: Likely benign for CAPN3-related condition. Last evaluated: 2019-11-06. Review status: no assertion criteria provided. Collection method: clinical testing. Allele origin: germline. Not counted in ClinVar's aggregate classification.
Comment: This variant is classified as likely benign based on ACMG/AMP sequence variant interpretation guidelines (Richards et al. 2015 PMID: 25741868, with internal and published modifications).

NM_000070.3(CAPN3):c.1263G>A (p.Leu421=)

Gene: CAPN3 (calpain 3; plus strand). Cytogenetic location: 15q15.1.
Variant type: single nucleotide variant.
Coding change: c.1263G>A on transcript NM_000070.3 (MANE Select); coding-DNA position 1263, G replaced by A.
Protein change: p.Leu421=; no amino-acid change (leucine 421 retained).
Molecular consequence: synonymous variant.
Genome position (GRCh38, 1-based): chr15:42,399,561, G>A. VCF-style: chr15-42399561-G-A. GRCh37 (hg19) VCF-style: chr15-42691759-G-A.
Other names: c.1263G>A, p.Leu421= (NM_024344.2); c.1119G>A, p.Leu373= (NM_173087.2).
Identifiers: ClinVar variation 468641 (VCV000468641.56), dbSNP rs372450879, ClinGen allele CA7511306.